The following is an entry in ClinVar:

NM_145207.3(AFG2A):c.1579C>T (p.Gln527Ter)

Gene: AFG2A (AAA ATPase AFG2A; plus strand). Cytogenetic location: 4q28.1.
Variant type: single nucleotide variant.
Coding change: c.1579C>T on transcript NM_145207.3 (MANE Select); coding-DNA position 1579, C replaced by T.
Protein change: p.Gln527Ter; replaces glutamine 527 with a stop codon.
Molecular consequence: nonsense.
Genome position (GRCh38, 1-based): chr4:122,947,353, C>T. VCF-style: chr4-122947353-C-T. GRCh37 (hg19) VCF-style: chr4-123868508-C-T.
Other names: c.1576C>T, p.Gln526Ter (NM_001317799.2, NM_001345856.2); short protein forms Q527*, Q526*.
Identifiers: ClinVar variation 944975 (VCV000944975.6), dbSNP rs375134024, ClinGen allele CA104829730.
Genomic context (GRCh38, chr4:122,947,353, plus strand): 5'-GCTGCTCTCCGAAGACCTGGGCGATTTGATAAAGAGATTGAGATTGGAGTTCCCAATGCT[C>T]AGGACCGGCTAGATATTCTCCAGAAACTGCTTCGAAGGGTACCCCATTTGCTCACTGAGG-3'

ClinVar aggregate classification (germline): Pathogenic (1 of 4 stars; one submission).

Conditions:
Microcephaly-intellectual disability-sensorineural hearing loss-epilepsy-abnormal muscle tone syndrome (NEDHSB). Also called: NEURODEVELOPMENTAL DISORDER WITH HEARING LOSS, SEIZURES, AND BRAIN ABNORMALITIES. Identifiers: Orphanet 457351, MedGen C4225276, MONDO:0014698, OMIM 616577.

Allele frequency attached by ClinVar (database versions not stated): gnomAD 0.00001; TOPMed 0.00001; ESP Exome Variant Server 0.00008.
gnomAD v4.1: 4 of 1,614,004 alleles (0.00025%); highest among the groups gnomAD compares: African/African-American, 0.0027%; no homozygotes.

Submission:

Labcorp Genetics (formerly Invitae), Labcorp
Classification: Pathogenic for Microcephaly-intellectual disability-sensorineural hearing loss-epilepsy-abnormal muscle tone syndrome. Last evaluated: 2024-04-08. Review status: criteria provided, single submitter. Criteria: Invitae Variant Classification Sherloc (09022015). Collection method: clinical testing. Allele origin: germline.
Comment: This sequence change creates a premature translational stop signal (p.Gln527*) in the SPATA5 gene. It is expected to result in an absent or disrupted protein product. Loss-of-function variants in SPATA5 are known to be pathogenic (PMID: 26299366). This variant is not present in population databases (gnomAD no frequency). This variant has not been reported in the literature in individuals affected with SPATA5-related conditions. ClinVar contains an entry for this variant (Variation ID: 944975). For these reasons, this variant has been classified as Pathogenic.

Literature cited by the submitters: PubMed 26299366.